The following is an entry in ClinVar:

ClinVar aggregate classification (germline): Benign/Likely benign. Review status: criteria provided, multiple submitters, no conflicts (2 of 4 stars). 3 submissions from 3 submitters: Benign (1); Likely benign (2). Last evaluated 2025-07-08.

Conditions:
Pheochromocytoma/paraganglioma syndrome 5. Also called: Paragangliomas 5; SDHA-Related Hereditary Paraganglioma-Pheochromocytoma Syndrome. Identifiers: Orphanet 29072, MedGen C3279992, MONDO:0013602, OMIM 614165.
Mitochondrial complex II deficiency, nuclear type 1. Also called: SUCCINATE CoQ REDUCTASE DEFICIENCY. Identifiers: Orphanet 3208, MedGen C5700310, MONDO:0100294, OMIM 252011.
Hereditary cancer-predisposing syndrome. Also called: Tumor predisposition; Neoplastic Syndromes, Hereditary; Hereditary Cancer Syndrome; Hereditary neoplastic syndrome. Identifiers: Orphanet 140162, MedGen C0027672, MeSH D009386, MONDO:0015356.

Allele frequency attached by ClinVar (database versions not stated): gnomAD exomes 0.00001 and 0.00002; ExAC 0.00003.
gnomAD v4.1: 12 of 1,613,224 alleles (0.00074%); highest among the groups gnomAD compares: East Asian, 0.025%; no homozygotes.

Submissions (3):

Labcorp Genetics (formerly Invitae), Labcorp
Classification: Likely benign for Pheochromocytoma/paraganglioma syndrome 5; Mitochondrial complex II deficiency, nuclear type 1. Last evaluated: 2025-07-08. Review status: criteria provided, single submitter. Criteria: Invitae Variant Classification Sherloc (09022015). Collection method: clinical testing. Allele origin: germline.

Myriad Genetics, Inc.
Classification: Benign for Pheochromocytoma/paraganglioma syndrome 5. Last evaluated: 2025-03-11. Review status: criteria provided, single submitter. Criteria: Myriad Autosomal Dominant, Autosomal Recessive and X-Linked Classification Criteria (2023). Collection method: clinical testing. Allele origin: unknown.
Comment: This variant is considered benign. This variant is a silent/synonymous amino acid change and it is not expected to impact splicing.

Ambry Genetics
Classification: Likely benign for Hereditary cancer-predisposing syndrome. Last evaluated: 2023-10-22. Review status: criteria provided, single submitter. Criteria: Ambry Variant Classification Scheme 2023. Collection method: clinical testing. Allele origin: germline.

NM_004168.4(SDHA):c.1671C>A (p.Val557=)

Gene: SDHA (succinate dehydrogenase complex flavoprotein subunit A; plus strand). Cytogenetic location: 5p15.33.
Variant type: single nucleotide variant.
Coding change: c.1671C>A on transcript NM_004168.4 (MANE Select); coding-DNA position 1671, C replaced by A.
Protein change: p.Val557=; no amino-acid change (valine 557 retained).
Molecular consequence: synonymous variant. On other transcripts: intron variant (1).
Genome position (GRCh38, 1-based): chr5:251,345, C>A. VCF-style: chr5-251345-C-A. GRCh37 (hg19) VCF-style: chr5-251460-C-A.
Other names: c.1671C>A (NM_004168.2); c.1527C>A, p.Val509= (NM_001294332.2); c.1552-3048C>A (NM_001330758.2).
Identifiers: ClinVar variation 1136372 (VCV001136372.11), dbSNP rs767963713, ClinGen allele CA3173333.